The following is an entry in ClinVar:

NM_000038.6(APC):c.4853T>G (p.Leu1618Arg)

Gene: APC (APC regulator of Wnt signaling pathway; plus strand). Cytogenetic location: 5q22.2.
Variant type: single nucleotide variant.
Coding change: c.4853T>G on transcript NM_000038.6 (MANE Select); coding-DNA position 4853, T replaced by G.
Protein change: p.Leu1618Arg; replaces leucine 1618 with arginine.
Molecular consequence: missense variant.
Genome position (GRCh38, 1-based): chr5:112,840,447, T>G. VCF-style: chr5-112840447-T-G. GRCh37 (hg19) VCF-style: chr5-112176144-T-G.
Other names: c.4853T>G, p.Leu1618Arg (NM_001127510.3, NM_001354895.2); c.4799T>G, p.Leu1600Arg (NM_001127511.3); c.4907T>G, p.Leu1636Arg (NM_001354896.2); c.4883T>G, p.Leu1628Arg (NM_001354897.2); c.4778T>G, p.Leu1593Arg (NM_001354898.2); c.4769T>G, p.Leu1590Arg (NM_001354899.2); c.4730T>G, p.Leu1577Arg (NM_001354900.2); c.4676T>G, p.Leu1559Arg (NM_001354901.2); and 5 more; short protein forms L1335R, L1577R, L1628R, L1458R, L1600R, L1492R, L1590R, L1636R.
Identifiers: ClinVar variation 841586 (VCV000841586.11), dbSNP rs185411044, ClinGen allele CA16031964.

ClinVar aggregate classification (germline): Uncertain significance (1 of 4 stars; one submission).

Conditions:
Familial adenomatous polyposis 1 (FAP1). Also called: FAMILIAL ADENOMATOUS POLYPOSIS 1, ATTENUATED; POLYPOSIS, ADENOMATOUS INTESTINAL. Identifiers: MedGen C2713442, MONDO:0021056, OMIM 175100. Disease mechanism: loss of function.

Submission:

Labcorp Genetics (formerly Invitae), Labcorp
Classification: Uncertain significance for Familial adenomatous polyposis 1. Last evaluated: 2019-03-20. Review status: criteria provided, single submitter. Criteria: Invitae Variant Classification Sherloc (09022015). Collection method: clinical testing. Allele origin: germline.
Comment: In summary, the available evidence is currently insufficient to determine the role of this variant in disease. Therefore, it has been classified as a Variant of Uncertain Significance. Algorithms developed to predict the effect of missense changes on protein structure and function are either unavailable or do not agree on the potential impact of this missense change (SIFT: "Deleterious"; PolyPhen-2: "Possibly Damaging"; Align-GVGD: "Class C0"). This variant has not been reported in the literature in individuals with APC-related conditions. This variant is not present in population databases (ExAC no frequency). This sequence change replaces leucine with arginine at codon 1618 of the APC protein (p.Leu1618Arg). The leucine residue is highly conserved and there is a moderate physicochemical difference between leucine and arginine.